The following is an entry in ClinVar:

ClinVar aggregate classification (germline): Benign. Review status: criteria provided, multiple submitters, no conflicts (2 of 4 stars). 2 submissions from 2 submitters: Benign (2). Last evaluated 2018-01-12.

Conditions:
Nail-patella syndrome (NPS). Also called: FONG DISEASE; ONYCHOOSTEODYSPLASIA; TURNER-KIESER SYNDROME. Identifiers: Orphanet 2614, MedGen C0027341, MONDO:0008061, OMIM 161200.

Allele frequency attached by ClinVar (database versions not stated): gnomAD exomes 0.33333; gnomAD 0.41441 and 0.42815; TOPMed 0.42113; 1000 Genomes Project 30x 0.51952; 1000 Genomes Project 0.53235.
gnomAD v4.1: 65,120 of 152,120 alleles (43%); highest among the groups gnomAD compares: East Asian, 86%; 14,908 homozygotes.

Submissions (2):

Illumina Laboratory Services, Illumina
Classification: Benign for Nail-patella syndrome. Last evaluated: 2018-01-12. Review status: criteria provided, single submitter. Criteria: ICSL Variant Classification Criteria 13 December 2019. Collection method: clinical testing. Allele origin: germline.
Comment: This variant was observed in the ICSL laboratory as part of a predisposition screen in an ostensibly healthy population. It had not been previously curated by ICSL or reported in the Human Gene Mutation Database (HGMD: prior to June 1st, 2018), and was therefore a candidate for classification through an automated scoring system. Utilizing variant allele frequency, disease prevalence and penetrance estimates, and inheritance mode, an automated score was calculated to assess if this variant is too frequent to cause the disease. Based on the score and internal cut-off values, a variant classified as benign is not then subjected to further curation. The score for this variant resulted in a classification of benign for this disease.

Breakthrough Genomics
Classification: Benign. Review status: criteria provided, single submitter. Criteria: ACMG Guidelines, 2015. Collection method: not provided. Allele origin: germline. Inheritance: Autosomal dominant inheritance. Affected: yes.

NM_001174147.2(LMX1B):c.*3957C>A

Gene: LMX1B (LIM homeobox transcription factor 1 beta; plus strand). Cytogenetic location: 9q33.3.
Variant type: single nucleotide variant.
Coding change: c.*3957C>A on transcript NM_001174147.2 (MANE Select); 3957 bases downstream of the stop codon, C replaced by A.
Molecular consequence: 3 prime UTR variant.
Genome position (GRCh38, 1-based): chr9:126,700,408, C>A. VCF-style: chr9-126700408-C-A. GRCh37 (hg19) VCF-style: chr9-129462687-C-A.
Other names: c.*3957C>A (NM_001174146.2, NM_002316.4).
Identifiers: ClinVar variation 364987 (VCV000364987.6), dbSNP rs10987422, ClinGen allele CA10632340.
Genomic context (GRCh38, chr9:126,700,408, plus strand): 5'-CCTCTTCTCCTTTGGGAAGCCCTGCAGCCTCCTAGCAAGAGGCTGATTCCCCACTCTGCC[C>A]CCATCTGAATGTCCTTTTCATGTTGCACGCAGGGAACCTCAGGAAGGAGGATTGCCTGAT-3'